The following is an entry in ClinVar:

NM_001365999.1(SZT2):c.6397G>A (p.Gly2133Ser)

Gene: SZT2 (SZT2 subunit of KICSTOR complex; plus strand). Cytogenetic location: 1p34.2.
Variant type: single nucleotide variant.
Coding change: c.6397G>A on transcript NM_001365999.1 (MANE Select); coding-DNA position 6397, G replaced by A.
Protein change: p.Gly2133Ser; replaces glycine 2133 with serine.
Molecular consequence: missense variant.
Genome position (GRCh38, 1-based): chr1:43,437,791, G>A. VCF-style: chr1-43437791-G-A. GRCh37 (hg19) VCF-style: chr1-43903462-G-A.
Other names: c.6226G>A, p.Gly2076Ser (NM_015284.4); short protein forms G2076S, G2133S.
Identifiers: ClinVar variation 1719915 (VCV001719915.5), dbSNP rs2545841962, ClinGen allele CA340029490.
Genomic context (GRCh38, chr1:43,437,791, plus strand): 5'-TGTGTTCCTCTTGCACTTTGCTCTCTGGAACCGGGGCCCTGACCACAGTTTTCCCTGTAG[G>A]GTCCTCGTTCTCCCTTAGACATGGTCTCTAGCCGCAGTTCAGATGCTGCTCGTCCTGTGG-3'
Protein context (NP_001352928.1, residues 2123-2143): QEPIYSEEAS[Gly2133Ser]PRSPLDMVSS

ClinVar aggregate classification (germline): Uncertain significance (1 of 4 stars; one submission).

Submission:

Labcorp Genetics (formerly Invitae), Labcorp
Classification: Uncertain significance. Last evaluated: 2022-09-29. Review status: criteria provided, single submitter. Criteria: Invitae Variant Classification Sherloc (09022015). Collection method: clinical testing. Allele origin: germline.
Comment: This sequence change replaces glycine, which is neutral and non-polar, with serine, which is neutral and polar, at codon 2076 of the SZT2 protein (p.Gly2076Ser). In summary, the available evidence is currently insufficient to determine the role of this variant in disease. Therefore, it has been classified as a Variant of Uncertain Significance. This variant is not present in population databases (gnomAD no frequency). This variant has not been reported in the literature in individuals affected with SZT2-related conditions. Algorithms developed to predict the effect of missense changes on protein structure and function are either unavailable or do not agree on the potential impact of this missense change (SIFT: "Deleterious"; PolyPhen-2: "Benign"; Align-GVGD: "Class C0").